The following is an entry in ClinVar:

ClinVar aggregate classification (germline): Benign (0 of 4 stars; one submission).

Conditions:
CTBP2-related disorder. Also called: CTBP2-related condition.

Allele frequency attached by ClinVar (database versions not stated): ESP Exome Variant Server 0.11482; 1000 Genomes Project 0.12161; 1000 Genomes Project 30x 0.12789; TOPMed 0.14120; ExAC 0.16621.
gnomAD v4.1: 205,010 of 1,596,114 alleles (13%); highest among the groups gnomAD compares: Admixed American, 28%; 14,320 homozygotes.

Submission:

PreventionGenetics, part of Exact Sciences
Classification: Benign for CTBP2-related condition. Last evaluated: 2019-10-18. Review status: no assertion criteria provided. Collection method: clinical testing. Allele origin: germline.
Comment: This variant is classified as benign based on ACMG/AMP sequence variant interpretation guidelines (Richards et al. 2015 PMID: 25741868, with internal and published modifications).

NM_001329.4(CTBP2):c.58+12491A>G

Gene: CTBP2 (C-terminal binding protein 2; minus strand). Cytogenetic location: 10q26.13.
Variant type: single nucleotide variant.
Coding change: c.58+12491A>G on transcript NM_001329.4 (MANE Select); 12491 bases into the intron after coding-DNA position 58, A replaced by G.
Molecular consequence: intron variant. On other transcripts: synonymous variant (1).
Genome position (GRCh38, 1-based): chr10:125,026,506, T>C on the plus strand (A>G on the coding strand, the complement: CTBP2 is on the minus strand). VCF-style: chr10-125026506-T-C. GRCh37 (hg19) VCF-style: chr10-126715075-T-C.
Other names: c.1254A>G, p.Ala418= (NM_022802.3); c.58+12491A>G (NM_001083914.3, NM_001290214.3, NM_001321012.2 and 3 more transcripts).
Identifiers: ClinVar variation 3060667 (VCV003060667.2), dbSNP rs3781413, ClinGen allele CA5736264.